The following is an entry in ClinVar:

ClinVar aggregate classification (germline): Uncertain significance (1 of 4 stars; one submission).

Conditions:
Diamond-Blackfan anemia. Also called: Blackfan Diamond syndrome; Aregenerative anemia chronic congenital; Red cell aplasia, pure hereditary; Congenital hypoplastic anemia; Aase syndrome. Identifiers: Orphanet 124, MedGen C1260899, MeSH D029503, MONDO:0015253, HP:0004810.

gnomAD v4.1: 5 of 1,611,422 alleles (0.00031%); highest among the groups gnomAD compares: Non-Finnish European, 0.00034%; no homozygotes.

Submission:

Labcorp Genetics (formerly Invitae), Labcorp
Classification: Uncertain significance for Diamond-Blackfan anemia. Last evaluated: 2024-12-03. Review status: criteria provided, single submitter. Criteria: Invitae Variant Classification Sherloc (09022015). Collection method: clinical testing. Allele origin: germline.
Comment: This sequence change replaces arginine, which is basic and polar, with cysteine, which is neutral and slightly polar, at codon 115 of the RPL26 protein (p.Arg115Cys). This variant is not present in population databases (gnomAD no frequency). This variant has not been reported in the literature in individuals affected with RPL26-related conditions. An algorithm developed to predict the effect of missense changes on protein structure and function (PolyPhen-2) suggests that this variant is likely to be disruptive. In summary, the available evidence is currently insufficient to determine the role of this variant in disease. Therefore, it has been classified as a Variant of Uncertain Significance.

NM_000987.5(RPL26):c.343C>T (p.Arg115Cys)

Gene: RPL26 (ribosomal protein L26; minus strand). Cytogenetic location: 17p13.1.
Variant type: single nucleotide variant.
Coding change: c.343C>T on transcript NM_000987.5 (MANE Select); coding-DNA position 343, C replaced by T.
Protein change: p.Arg115Cys; replaces arginine 115 with cysteine.
Molecular consequence: missense variant.
Genome position (GRCh38, 1-based): chr17:8,377,659, G>A on the plus strand (C>T on the coding strand, the complement: RPL26 is on the minus strand). VCF-style: chr17-8377659-G-A. GRCh37 (hg19) VCF-style: chr17-8280977-G-A.
Other names: c.343C>T, p.Arg115Cys (NM_001315530.2, NM_001315531.2); short protein forms R115C.
Identifiers: ClinVar variation 3712247 (VCV003712247.2).